The following is an entry in ClinVar:

ClinVar aggregate classification (germline): Uncertain significance. Review status: criteria provided, multiple submitters, no conflicts (2 of 4 stars). 2 submissions from 2 submitters: Uncertain significance (2). Last evaluated 2025-12-17.

Conditions:
Inborn genetic diseases. Identifiers: MedGen C0950123, MeSH D030342.
Congenital myopathy 4B, autosomal recessive. Also called: Nemaline myopathy 1, autosomal dominant or recessive. Identifiers: Orphanet 171433, Orphanet 171439, Orphanet 171881, MedGen C5829889, MONDO:0012239, OMIM 609284.
Congenital myopathy with fiber type disproportion. Also called: Congenital fiber-type disproportion myopathy; Congenital fiber-type disproportion. Identifiers: Orphanet 2020, MedGen C0546264, MONDO:0009711. Inheritance: all.

gnomAD v4.1: 10 of 1,614,024 alleles (0.00062%); highest among the groups gnomAD compares: South Asian, 0.0033%; no homozygotes.

Submissions (2):

Labcorp Genetics (formerly Invitae), Labcorp
Classification: Uncertain significance for Congenital myopathy with fiber type disproportion; Congenital myopathy 4B, autosomal recessive. Last evaluated: 2025-12-17. Review status: criteria provided, single submitter. Criteria: Invitae Variant Classification Sherloc (09022015). Collection method: clinical testing. Allele origin: germline.
Comment: This sequence change replaces alanine, which is neutral and non-polar, with valine, which is neutral and non-polar, at codon 212 of the TPM3 protein (p.Ala212Val). This variant is present in population databases (rs1138355, gnomAD 0.0009%). This variant has not been reported in the literature in individuals affected with TPM3-related conditions. ClinVar contains an entry for this variant (Variation ID: 2157024). Invitae Evidence Modeling of protein sequence and biophysical properties (such as structural, functional, and spatial information, amino acid conservation, physicochemical variation, residue mobility, and thermodynamic stability) indicates that this missense variant is not expected to disrupt TPM3 protein function with a negative predictive value of 80%. In summary, the available evidence is currently insufficient to determine the role of this variant in disease. Therefore, it has been classified as a Variant of Uncertain Significance.

Ambry Genetics
Classification: Uncertain significance for Inborn genetic diseases. Last evaluated: 2025-03-22. Review status: criteria provided, single submitter. Criteria: Ambry Variant Classification Scheme 2023. Collection method: clinical testing. Allele origin: germline.

NM_152263.4(TPM3):c.635C>T (p.Ala212Val)

Gene: TPM3 (tropomyosin 3; minus strand). Cytogenetic location: 1q21.3.
Variant type: single nucleotide variant.
Coding change: c.635C>T on transcript NM_152263.4 (MANE Select); coding-DNA position 635, C replaced by T.
Protein change: p.Ala212Val; replaces alanine 212 with valine.
Molecular consequence: missense variant. On other transcripts: intron variant (8).
Genome position (GRCh38, 1-based): chr1:154,171,420, G>A on the plus strand (C>T on the coding strand, the complement: TPM3 is on the minus strand). VCF-style: chr1-154171420-G-A. GRCh37 (hg19) VCF-style: chr1-154143896-G-A.
Other names: c.635C>T (NM_152263.2); c.524C>T, p.Ala175Val (NM_001043351.2, NM_001043353.2, NM_001349679.2); c.254C>T, p.Ala85Val (NM_001278191.2); c.635C>T, p.Ala212Val (NM_001364679.2, NM_001364681.2); c.642+609C>T (NM_001364680.2, NM_001364682.1); c.333+609C>T (NM_001278188.2); c.531+609C>T (NM_001278190.2, NM_153649.4, NM_001043352.2 and 2 more transcripts); short protein forms A175V, A212V, A85V.
Identifiers: ClinVar variation 2157024 (VCV002157024.5), dbSNP rs1138355, ClinGen allele CA30768937.